The following is an entry in ClinVar:

NM_002282.3(KRT83):c.1017C>T (p.Ala339=)

Gene: KRT83 (keratin 83; minus strand). Cytogenetic location: 12q13.13.
Variant type: single nucleotide variant.
Coding change: c.1017C>T on transcript NM_002282.3 (MANE Select); coding-DNA position 1017, C replaced by T.
Protein change: p.Ala339=; no amino-acid change (alanine 339 retained).
Molecular consequence: synonymous variant.
Genome position (GRCh38, 1-based): chr12:52,316,492, G>A on the plus strand (C>T on the coding strand, the complement: KRT83 is on the minus strand). VCF-style: chr12-52316492-G-A. GRCh37 (hg19) VCF-style: chr12-52710276-G-A.
Identifiers: ClinVar variation 309509 (VCV000309509.10), dbSNP rs143467763, ClinGen allele CA6577431.
Genomic context (GRCh38, chr12:52,316,492, plus strand): 5'-TCTTCCTACACTGAGGGGTGGGCCGGGCTCTGGTACCTGGCACTTGGCATTCTCCACCTC[G>A]GCTGTCAGCCTCTGGATCATGCGGTTCAGCTCGTTGATCTCCTCCTTGGTGCGGCGCAGG-3'
Protein context (NP_002273.3, residues 329-349): ELNRMIQRLT[Ala339=]EVENAKCQNS

ClinVar aggregate classification (germline): Benign/Likely benign. Review status: criteria provided, multiple submitters, no conflicts (2 of 4 stars). 4 submissions from 4 submitters: Benign (3); Likely benign (1). Last evaluated 2025-09-08.

Conditions:
Monilethrix. Also called: Beaded hair. Identifiers: Orphanet 573, MedGen C0546966, MONDO:0008009, HP:0032470.

Allele frequency attached by ClinVar (database versions not stated): gnomAD 0.00041 and 0.00058; TOPMed 0.00045; ESP Exome Variant Server 0.00046; 1000 Genomes Project 30x 0.00094; 1000 Genomes Project 0.00120.
gnomAD v4.1: 1,286 of 1,614,098 alleles (0.08%); highest among the groups gnomAD compares: Middle Eastern, 0.74%; 7 homozygotes.

Submissions (4):

Labcorp Genetics (formerly Invitae), Labcorp
Classification: Benign. Last evaluated: 2025-09-08. Review status: criteria provided, single submitter. Criteria: Invitae Variant Classification Sherloc (09022015). Collection method: clinical testing. Allele origin: germline.

Blueprint Genetics
Classification: Likely benign. Last evaluated: 2024-11-12. Review status: criteria provided, single submitter. Criteria: ACMG Guidelines, 2015. Collection method: clinical testing. Allele origin: germline.

Illumina Laboratory Services, Illumina
Classification: Benign for Monilethrix-1. Last evaluated: 2018-01-13. Review status: criteria provided, single submitter. Criteria: ICSL Variant Classification Criteria 13 December 2019. Collection method: clinical testing. Allele origin: germline.
Comment: This variant was observed in the ICSL laboratory as part of a predisposition screen in an ostensibly healthy population. It had not been previously curated by ICSL or reported in the Human Gene Mutation Database (HGMD: prior to June 1st, 2018), and was therefore a candidate for classification through an automated scoring system. Utilizing variant allele frequency, disease prevalence and penetrance estimates, and inheritance mode, an automated score was calculated to assess if this variant is too frequent to cause the disease. Based on the score and internal cut-off values, a variant classified as benign is not then subjected to further curation. The score for this variant resulted in a classification of benign for this disease.

Breakthrough Genomics
Classification: Benign. Review status: criteria provided, single submitter. Criteria: ACMG Guidelines, 2015. Collection method: not provided. Allele origin: germline. Inheritance: Autosomal recessive inheritance. Affected: yes.